The following is an entry in ClinVar:

ClinVar aggregate classification (germline): Benign. Review status: criteria provided, multiple submitters, no conflicts (2 of 4 stars). 2 submissions from 2 submitters: Benign (2). Last evaluated 2018-06-19.

Allele frequency attached by ClinVar (database versions not stated): gnomAD exomes 0.05847; gnomAD 0.08048 and 0.09081; TOPMed 0.11760; 1000 Genomes Project 30x 0.25869; 1000 Genomes Project 0.26887.
gnomAD v4.1: 61,862 of 981,853 alleles (6.3%); highest among the groups gnomAD compares: East Asian, 69%; 8,003 homozygotes.

Submissions (2):

GeneDx
Classification: Benign. Last evaluated: 2018-06-19. Review status: criteria provided, single submitter. Criteria: GeneDx Variant Classification (06012015). Collection method: clinical testing. Allele origin: germline. Affected: yes.
Comment: This variant is considered likely benign or benign based on one or more of the following criteria: it is a conservative change, it occurs at a poorly conserved position in the protein, it is predicted to be benign by multiple in silico algorithms, and/or has population frequency not consistent with disease.

Breakthrough Genomics
Classification: Benign. Review status: criteria provided, single submitter. Criteria: ACMG Guidelines, 2015. Collection method: not provided. Allele origin: germline. Inheritance: X-linked inheritance. Affected: yes.

NM_002637.4(PHKA1):c.1570-73A>G

Gene: PHKA1 (phosphorylase kinase regulatory subunit alpha 1; minus strand). Cytogenetic location: Xq13.1.
Variant type: single nucleotide variant.
Coding change: c.1570-73A>G on transcript NM_002637.4 (MANE Select); 73 bases into the intron before coding-DNA position 1570, A replaced by G.
Molecular consequence: intron variant.
Genome position (GRCh38, 1-based): chrX:72,635,372, T>C on the plus strand (A>G on the coding strand, the complement: PHKA1 is on the minus strand). VCF-style: chrX-72635372-T-C. GRCh37 (hg19) VCF-style: chrX-71855222-T-C.
Other names: c.1570-73A>G (NM_001172436.2, NM_001122670.2).
Identifiers: ClinVar variation 676224 (VCV000676224.2), dbSNP rs4825955, ClinGen allele CA331063303.
Genomic context (GRCh38, chrX:72,635,372, plus strand): 5'-AAAATAATAGATTAGATTAATTTACTCTCACAATTATCAAGTAATATTTTAAACTACTCA[T>C]ATATTCAGAAGAGTATCCAAGATGTCACAGGGCAATGATACCCCCACATTTAATGTCTAA-3'